The following is an entry in ClinVar:

NM_003172.4(SURF1):c.38_44del (p.Ala13fs)

Gene: SURF1 (SURF1 cytochrome c oxidase assembly factor; minus strand). Cytogenetic location: 9q34.2.
Variant type: Deletion.
Coding change: c.38_44del on transcript NM_003172.4 (MANE Select); coding-DNA positions 38 to 44, 7 bases deleted (CGGCGGG; older notation c.38_44delCGGCGGG).
Protein change: p.Ala13fs; shifts the reading frame from alanine 13.
Molecular consequence: frameshift variant. On other transcripts: 5 prime UTR variant (1).
Genome position (GRCh38, 1-based): chr9:133,356,410-133,356,416, CCCGCCG deleted on the plus strand (CGGCGGG on the coding strand, the reverse complement: SURF1 is on the minus strand); deleting any 7 consecutive bases within chr9:133,356,410-133,356,421 gives the same sequence; the c. name uses the placement nearest the transcript's 3' end. VCF-style (leftmost placement, unchanged base first): chr9-133356409-CCCCGCCG-C. GRCh37 (hg19) VCF-style: chr9-136223285-CCCCGCCG-C.
Other names: c.-238_-232del (NM_001280787.1); short protein forms A13fs.
Identifiers: ClinVar variation 2580921 (VCV002580921.6), dbSNP rs2490628968, ClinGen allele CA2580618202.

ClinVar aggregate classification (germline): Pathogenic/Likely pathogenic. Review status: criteria provided, multiple submitters, no conflicts (2 of 4 stars). 3 submissions from 3 submitters: Pathogenic (2); Likely pathogenic (1). Last evaluated 2024-04-29.

Conditions:
Mitochondrial complex IV deficiency, nuclear type 1 (MC4DN1). Also called: COX DEFICIENCY; Mitochondrial complex IV deficiency; Complex 4 mitochondrial respiratory chain deficiency; Deficiency of mitochondrial respiratory chain complex4; Complex IV deficiency. Identifiers: MedGen C5435656, MONDO:0700250, OMIM 220110. Disease mechanism: loss of function.
Charcot-Marie-Tooth disease type 4K. Also called: CHARCOT-MARIE-TOOTH DISEASE, DEMYELINATING, TYPE 4K; CHARCOT-MARIE-TOOTH NEUROPATHY, DEMYELINATING, AUTOSOMAL RECESSIVE, TYPE 4K; CHARCOT-MARIE-TOOTH DISEASE, DEMYELINATING, AUTOSOMAL RECESSIVE, TYPE 4K. Identifiers: Orphanet 391351, MedGen C4225246, MONDO:0014733, OMIM 616684.
Leigh syndrome (NULS). Also called: Leigh's syndrome; Leigh Disease; Subacute necrotizing encephalopathy; Necrotizing encephalopathy infantile subacute of Leigh; Leigh's necrotizing encephalopathy; Leigh's disease. Identifiers: Orphanet 506, MedGen C2931891, MONDO:0009723, OMIM 256000.

Submissions (3):

Fulgent Genetics
Classification: Likely pathogenic for Mitochondrial complex IV deficiency, nuclear type 1; Charcot-Marie-Tooth disease type 4K. Last evaluated: 2024-04-29. Review status: criteria provided, single submitter. Criteria: ACMG Guidelines, 2015. Collection method: clinical testing. Allele origin: germline.

Labcorp Genetics (formerly Invitae), Labcorp
Classification: Pathogenic for Leigh syndrome. Last evaluated: 2023-10-22. Review status: criteria provided, single submitter. Criteria: Invitae Variant Classification Sherloc (09022015). Collection method: clinical testing. Allele origin: germline.
Comment: This sequence change creates a premature translational stop signal (p.Ala13Glyfs*57) in the SURF1 gene. It is expected to result in an absent or disrupted protein product. Loss-of-function variants in SURF1 are known to be pathogenic (PMID: 10443880, 22488715, 24027061). This variant is not present in population databases (gnomAD no frequency). This variant has not been reported in the literature in individuals affected with SURF1-related conditions. ClinVar contains an entry for this variant (Variation ID: 2580921). For these reasons, this variant has been classified as Pathogenic.

Institute for Medical Genetics and Human Genetics, Charité - Universitätsmedizin Berlin
Classification: Pathogenic for Mitochondrial complex IV deficiency, nuclear type 1. Review status: criteria provided, single submitter. Criteria: ACMG Guidelines, 2015. Collection method: not provided. Allele origin: germline. Inheritance: Autosomal recessive inheritance. Affected: yes.

Literature cited by the submitters: PubMed 10443880 (cited by Labcorp Genetics (formerly Invitae), Labcorp); PubMed 22488715 (cited by Labcorp Genetics (formerly Invitae), Labcorp); PubMed 24027061 (cited by Labcorp Genetics (formerly Invitae), Labcorp).